The following is an entry in ClinVar:

ClinVar aggregate classification (germline): Uncertain significance (1 of 4 stars; one submission).

Conditions:
Focal segmental glomerulosclerosis and neurodevelopmental syndrome. Identifiers: MedGen C5561938, MONDO:0100111, OMIM 619428.

Submission:

Institute of Human Genetics, University of Leipzig Medical Center
Classification: Uncertain significance for Focal segmental glomerulosclerosis and neurodevelopmental syndrome. Last evaluated: 2022-02-10. Review status: criteria provided, single submitter. Criteria: ACMG Guidelines, 2015. Collection method: clinical testing. Allele origin: unknown. Affected: yes.
Comment: _x000D_ Criteria applied: PVS1_STR, PM2_SUP

NM_030912.3(TRIM8):c.1213_1219delinsCAGTACGG (p.Thr405fs)

Gene: TRIM8 (tripartite motif containing 8; plus strand). Cytogenetic location: 10q24.32.
Variant type: Indel.
Coding change: c.1213_1219delinsCAGTACGG on transcript NM_030912.3 (MANE Select); coding-DNA positions 1213 to 1219, ACAGCCA replaced by CAGTACGG.
Protein change: p.Thr405fs; shifts the reading frame from threonine 405.
Molecular consequence: frameshift variant. On other transcripts: non-coding transcript variant (1).
Genome position (GRCh38, 1-based): chr10:102,656,911-102,656,917, ACAGCCA replaced by CAGTACGG. VCF-style: chr10-102656911-ACAGCCA-CAGTACGG. GRCh37 (hg19) VCF-style: chr10-104416668-ACAGCCA-CAGTACGG.
Other names: c.1117_1123delinsCAGTACGG, p.Thr373fs (NM_001345950.1); short protein forms T373fs, T405fs.
Identifiers: ClinVar variation 1342896 (VCV001342896.1), dbSNP rs2135984929, ClinGen allele CA2573053231.